The following is an entry in ClinVar:

ClinVar aggregate classification (germline): Benign/Likely benign. Review status: criteria provided, multiple submitters, no conflicts (2 of 4 stars). 10 submissions from 10 submitters: Benign (4); Likely benign (5). 1 of the submissions does not count toward it. Last evaluated 2026-07-01.

Conditions:
PAFAH1B1-related disorder. Also called: PAFAH1B1-related condition.

Allele frequency attached by ClinVar (database versions not stated): 1000 Genomes Project 0.00100; ESP Exome Variant Server 0.00100; 1000 Genomes Project 30x 0.00109; gnomAD 0.00111 and 0.00115; ExAC 0.00113; TOPMed 0.00125; gnomAD exomes 0.00126 and 0.00132.
gnomAD v4.1: 2,038 of 1,614,120 alleles (0.13%); highest among the groups gnomAD compares: Admixed American, 0.21%; 3 homozygotes.

Submissions (10):

CeGaT Center for Human Genetics Tuebingen
Classification: Likely benign. Last evaluated: 2026-07-01. Review status: criteria provided, single submitter. Criteria: CeGaT Center For Human Genetics Tuebingen Variant Classification Criteria Version 2. Collection method: clinical testing. Allele origin: germline. Affected: yes. Observed: 6 variant alleles.
Comment: PAFAH1B1: BP4, BP7, BS1

Labcorp Genetics (formerly Invitae), Labcorp
Classification: Benign. Last evaluated: 2026-01-21. Review status: criteria provided, single submitter. Criteria: Invitae Variant Classification Sherloc (09022015). Collection method: clinical testing. Allele origin: germline.

Blueprint Genetics
Classification: Likely benign. Last evaluated: 2024-11-08. Review status: criteria provided, single submitter. Criteria: ACMG Guidelines, 2015. Collection method: clinical testing. Allele origin: germline.

Mayo Clinic Laboratories, Mayo Clinic
Classification: Benign. Last evaluated: 2023-03-23. Review status: criteria provided, single submitter. Criteria: ACMG Guidelines, 2015. Collection method: clinical testing. Allele origin: germline. Observed: 3 variant alleles.
Comment: BS1, BS2, BP4, BP7

GeneDx
Classification: Benign. Last evaluated: 2020-02-13. Review status: criteria provided, single submitter. Criteria: GeneDx Variant Classification Process June 2021. Collection method: clinical testing. Allele origin: germline. Affected: yes.

Athena Diagnostics
Classification: Benign. Last evaluated: 2017-11-17. Review status: criteria provided, single submitter. Criteria: Athena Diagnostics Criteria. Collection method: clinical testing. Allele origin: germline.

Genetic Services Laboratory, University of Chicago
Classification: Likely benign. Last evaluated: 2015-12-16. Review status: criteria provided, single submitter. Criteria: ACMG Guidelines, 2015. Collection method: clinical testing. Allele origin: germline. Affected: no.

Eurofins Ntd Llc (ga)
Classification: Likely benign. Last evaluated: 2014-10-02. Review status: criteria provided, single submitter. Criteria: EGL Classification Definitions 2015. Collection method: clinical testing. Allele origin: germline. Observed: 2 variant alleles, 2 heterozygotes.

Breakthrough Genomics
Classification: Likely benign. Review status: criteria provided, single submitter. Criteria: ACMG Guidelines, 2015. Collection method: not provided. Allele origin: germline. Inheritance: Autosomal dominant inheritance. Affected: yes.

PreventionGenetics, part of Exact Sciences
Classification: Benign for PAFAH1B1-related condition. Last evaluated: 2019-05-22. Review status: no assertion criteria provided. Collection method: clinical testing. Allele origin: germline. Not counted in ClinVar's aggregate classification.
Comment: This variant is classified as benign based on ACMG/AMP sequence variant interpretation guidelines (Richards et al. 2015 PMID: 25741868, with internal and published modifications).

NM_000430.4(PAFAH1B1):c.780A>G (p.Val260=)

Gene: PAFAH1B1 (platelet activating factor acetylhydrolase 1b regulatory subunit 1; plus strand). Cytogenetic location: 17p13.3.
Variant type: single nucleotide variant.
Coding change: c.780A>G on transcript NM_000430.4 (MANE Select); coding-DNA position 780, A replaced by G.
Protein change: p.Val260=; no amino-acid change (valine 260 retained).
Molecular consequence: synonymous variant.
Genome position (GRCh38, 1-based): chr17:2,674,168, A>G. VCF-style: chr17-2674168-A-G. GRCh37 (hg19) VCF-style: chr17-2577462-A-G.
Other names: p.Val260=.
Identifiers: ClinVar variation 93000 (VCV000093000.49), dbSNP rs150380620, ClinGen allele CA146167.